The following is an entry in ClinVar:

ClinVar aggregate classification (germline): Uncertain significance (1 of 4 stars; one submission).

Allele frequency attached by ClinVar (database versions not stated): TOPMed below 0.00001; gnomAD exomes 0.00001; ExAC 0.00002; ESP Exome Variant Server 0.00008.
gnomAD v4.1: 11 of 1,612,974 alleles (0.00068%); highest among the groups gnomAD compares: Non-Finnish European, 0.00076%; no homozygotes.

Submission:

CeGaT Center for Human Genetics Tuebingen
Classification: Uncertain significance. Last evaluated: 2023-12-01. Review status: criteria provided, single submitter. Criteria: CeGaT Center For Human Genetics Tuebingen Variant Classification Criteria Version 2. Collection method: clinical testing. Allele origin: germline. Affected: yes. Observed: 1 variant allele.
Comment: CHD3: PM2, BP4

NM_001005273.3(CHD3):c.3894+8G>A

Gene: CHD3 (chromodomain helicase DNA binding protein 3; plus strand). Cytogenetic location: 17p13.1.
Variant type: single nucleotide variant.
Coding change: c.3894+8G>A on transcript NM_001005273.3 (MANE Select); 8 bases into the intron after coding-DNA position 3894, G replaced by A.
Molecular consequence: intron variant.
Genome position (GRCh38, 1-based): chr17:7,903,999, G>A. VCF-style: chr17-7903999-G-A. GRCh37 (hg19) VCF-style: chr17-7807317-G-A.
Other names: c.4071+8G>A (NM_001005271.3); c.3894+8G>A (NM_005852.4).
Identifiers: ClinVar variation 3026152 (VCV003026152.22), dbSNP rs371964265, ClinGen allele CA8363171.